The following is an entry in ClinVar:

NM_001303052.2(MYT1L):c.3080+4201_3080+4266del

Gene: MYT1L (myelin transcription factor 1 like; minus strand). Cytogenetic location: 2p25.3.
Variant type: Deletion.
Coding change: c.3080+4201_3080+4266del on transcript NM_001303052.2 (MANE Select); bases 4201 to 4266 of the intron after coding-DNA position 3080, 66 bases deleted.
Molecular consequence: intron variant.
Genome position (GRCh38, 1-based): chr2:1,834,883-1,834,948, 66 bases deleted. GRCh37 (hg19): chr2:1,838,657-1,838,722.
Other names: c.3074+4201_3074+4266del (NM_015025.4, NM_001329847.2, NM_001329848.1 and 3 more transcripts); c.3080+4201_3080+4266del (NM_001329844.2, NM_001329845.1, NM_001329851.3).
Identifiers: ClinVar variation 2498800 (VCV002498800.28), dbSNP rs1558695982, ClinGen allele CA530409879.

ClinVar aggregate classification (germline): Benign (1 of 4 stars; one submission).

Submission:

CeGaT Center for Human Genetics Tuebingen
Classification: Benign. Last evaluated: 2023-05-01. Review status: criteria provided, single submitter. Criteria: CeGaT Center For Human Genetics Tuebingen Variant Classification Criteria Version 2. Collection method: clinical testing. Allele origin: germline. Affected: yes. Observed: 37 variant alleles.
Comment: MYT1L: BS1, BS2